The following is an entry in ClinVar:

ClinVar aggregate classification (germline): Uncertain significance (1 of 4 stars; one submission).

Conditions:
Peroxisome biogenesis disorder 11A (Zellweger). Also called: Peroxisome biogenesis disorder 11A. Identifiers: Orphanet 912, MedGen C3554000, MONDO:0013949, OMIM 614883.

Allele frequency attached by ClinVar (database versions not stated): gnomAD exomes below 0.00001.
gnomAD v4.1: 1 of 1,614,088 alleles (0.000062%); highest among the groups gnomAD compares: Non-Finnish European, 0.000085%; no homozygotes.

Submission:

Labcorp Genetics (formerly Invitae), Labcorp
Classification: Uncertain significance for Peroxisome biogenesis disorder 11A (Zellweger). Last evaluated: 2022-02-03. Review status: criteria provided, single submitter. Criteria: Invitae Variant Classification Sherloc (09022015). Collection method: clinical testing. Allele origin: germline.
Comment: This sequence change replaces serine, which is neutral and polar, with threonine, which is neutral and polar, at codon 214 of the PEX13 protein (p.Ser214Thr). This variant is present in population databases (no rsID available, gnomAD 0.0009%). This variant has not been reported in the literature in individuals affected with PEX13-related conditions. Algorithms developed to predict the effect of missense changes on protein structure and function are either unavailable or do not agree on the potential impact of this missense change (SIFT: "Tolerated"; PolyPhen-2: "Probably Damaging"; Align-GVGD: "Class C0"). In summary, the available evidence is currently insufficient to determine the role of this variant in disease. Therefore, it has been classified as a Variant of Uncertain Significance.

NM_002618.4(PEX13):c.641G>C (p.Ser214Thr)

Gene: PEX13 (peroxisomal biogenesis factor 13; plus strand). Cytogenetic location: 2p15.
Variant type: single nucleotide variant.
Coding change: c.641G>C on transcript NM_002618.4 (MANE Select); coding-DNA position 641, G replaced by C.
Protein change: p.Ser214Thr; replaces serine 214 with threonine.
Molecular consequence: missense variant.
Genome position (GRCh38, 1-based): chr2:61,031,967, G>C. VCF-style: chr2-61031967-G-C. GRCh37 (hg19) VCF-style: chr2-61259102-G-C.
Other names: short protein forms S214T.
Identifiers: ClinVar variation 1485984 (VCV001485984.5), dbSNP rs1207829224, ClinGen allele CA346944189.